The following is an entry in ClinVar:

ClinVar aggregate classification (germline): Uncertain significance (1 of 4 stars; one submission).

Conditions:
Autosomal dominant spastic paraplegia type 9. Identifiers: MedGen C1832669, MONDO:0015091.
de Barsy syndrome. Also called: Cutis laxa-corneal clouding-oligophrenia syndrome. Identifiers: Orphanet 2962, MedGen C0268354, MONDO:0017569.
Cutis laxa, autosomal dominant 3 (ADCL3). Identifiers: Orphanet 90348, MedGen C4225268, MONDO:0014706, OMIM 616603.

Allele frequency attached by ClinVar (database versions not stated): gnomAD exomes below 0.00001.

Submission:

Labcorp Genetics (formerly Invitae), Labcorp
Classification: Uncertain significance for Autosomal dominant spastic paraplegia type 9; de Barsy syndrome; Cutis laxa, autosomal dominant 3. Last evaluated: 2019-01-31. Review status: criteria provided, single submitter. Criteria: Invitae Variant Classification Sherloc (09022015). Collection method: clinical testing. Allele origin: germline.
Comment: This sequence change replaces proline with leucine at codon 358 of the ALDH18A1 protein (p.Pro358Leu). The proline residue is moderately conserved and there is a moderate physicochemical difference between proline and leucine. This variant is not present in population databases (ExAC no frequency). In summary, the available evidence is currently insufficient to determine the role of this variant in disease. Therefore, it has been classified as a Variant of Uncertain Significance. Algorithms developed to predict the effect of missense changes on protein structure and function are either unavailable or do not agree on the potential impact of this missense change (SIFT: "Tolerated"; PolyPhen-2: "Probably Damaging"; Align-GVGD: "Class C0"). This variant has not been reported in the literature in individuals with ALDH18A1-related conditions.

NM_002860.4(ALDH18A1):c.1073C>T (p.Pro358Leu)

Gene: ALDH18A1 (aldehyde dehydrogenase 18 family member A1; minus strand). Cytogenetic location: 10q24.1.
Variant type: single nucleotide variant.
Coding change: c.1073C>T on transcript NM_002860.4 (MANE Select); coding-DNA position 1073, C replaced by T.
Protein change: p.Pro358Leu; replaces proline 358 with leucine.
Molecular consequence: missense variant.
Genome position (GRCh38, 1-based): chr10:95,627,447, G>A on the plus strand (C>T on the coding strand, the complement: ALDH18A1 is on the minus strand). VCF-style: chr10-95627447-G-A. GRCh37 (hg19) VCF-style: chr10-97387204-G-A.
Other names: c.1067C>T, p.Pro356Leu (NM_001017423.2, NM_001323415.2); c.740C>T, p.Pro247Leu (NM_001323412.2, NM_001323416.2); c.1073C>T, p.Pro358Leu (NM_001323413.2, NM_001323414.2); c.968C>T, p.Pro323Leu (NM_001323417.2); c.734C>T, p.Pro245Leu (NM_001323418.2); c.437C>T, p.Pro146Leu (NM_001323419.2); short protein forms P245L, P356L, P358L, P146L, P323L, P247L.
Identifiers: ClinVar variation 862860 (VCV000862860.10), dbSNP rs868590536, ClinGen allele CA211794321.